The following is an entry in ClinVar:

ClinVar aggregate classification (germline): Uncertain significance. Review status: criteria provided, multiple submitters, no conflicts (2 of 4 stars). 2 submissions from 2 submitters: Uncertain significance (2). Last evaluated 2025-04-25.

Conditions:
Hereditary cancer-predisposing syndrome. Also called: Neoplastic Syndromes, Hereditary; Tumor predisposition; Hereditary Cancer Syndrome; Hereditary neoplastic syndrome. Identifiers: Orphanet 140162, MedGen C0027672, MeSH D009386, MONDO:0015356.

Submissions (2):

Ambry Genetics
Classification: Uncertain significance for Hereditary cancer-predisposing syndrome. Last evaluated: 2025-04-25. Review status: criteria provided, single submitter. Criteria: Ambry Variant Classification Scheme 2023. Collection method: clinical testing. Allele origin: germline.
Comment: The p.K1043E variant (also known as c.3127A>G), located in coding exon 20 of the RAD50 gene, results from an A to G substitution at nucleotide position 3127. The lysine at codon 1043 is replaced by glutamic acid, an amino acid with similar properties. This amino acid position is highly conserved in available vertebrate species. In addition, the in silico prediction for this alteration is inconclusive. Since supporting evidence is limited at this time, the clinical significance of this alteration remains unclear.

Labcorp Genetics (formerly Invitae), Labcorp
Classification: Uncertain significance for Hereditary cancer-predisposing syndrome. Last evaluated: 2024-04-30. Review status: criteria provided, single submitter. Criteria: Invitae Variant Classification Sherloc (09022015). Collection method: clinical testing. Allele origin: germline.
Comment: This sequence change replaces lysine, which is basic and polar, with glutamic acid, which is acidic and polar, at codon 1043 of the RAD50 protein (p.Lys1043Glu). This variant is not present in population databases (gnomAD no frequency). This variant has not been reported in the literature in individuals affected with RAD50-related conditions. ClinVar contains an entry for this variant (Variation ID: 484679). Advanced modeling of protein sequence and biophysical properties (such as structural, functional, and spatial information, amino acid conservation, physicochemical variation, residue mobility, and thermodynamic stability) performed at Invitae indicates that this missense variant is not expected to disrupt RAD50 protein function with a negative predictive value of 80%. In summary, the available evidence is currently insufficient to determine the role of this variant in disease. Therefore, it has been classified as a Variant of Uncertain Significance.

NM_005732.4(RAD50):c.3127A>G (p.Lys1043Glu)

Gene: RAD50 (RAD50 double strand break repair protein; plus strand). Cytogenetic location: 5q31.1.
Variant type: single nucleotide variant.
Coding change: c.3127A>G on transcript NM_005732.4 (MANE Select); coding-DNA position 3127, A replaced by G.
Protein change: p.Lys1043Glu; replaces lysine 1043 with glutamic acid.
Molecular consequence: missense variant.
Genome position (GRCh38, 1-based): chr5:132,616,093, A>G. VCF-style: chr5-132616093-A-G. GRCh37 (hg19) VCF-style: chr5-131951785-A-G.
Other names: short protein forms K1043E.
Identifiers: ClinVar variation 484679 (VCV000484679.17), dbSNP rs1554099798, ClinGen allele CA360963773.
Genomic context (GRCh38, chr5:132,616,093, plus strand): 5'-ACTTTAAGAAAAAGAAATGAGGAACTAAAAGAAGTTGAAGAAGAAAGAAAACAACATTTG[A>G]AGGAAATGGGTCAAATGCAGGTTTTGCAAATGAAAAGGTATGCTTTTAAAATAATCTTCA-3'
Protein context (NP_005723.2, residues 1033-1053): EVEEERKQHL[Lys1043Glu]EMGQMQVLQM